The following is an entry in ClinVar:

NM_000091.5(COL4A3):c.3682G>A (p.Gly1228Ser)

Genes: COL4A3 (collagen type IV alpha 3 chain; plus strand), MFF-DT (MFF divergent transcript; minus strand). Cytogenetic location: 2q36.3.
Variant type: single nucleotide variant.
Coding change: c.3682G>A on transcript NM_000091.5 (MANE Select); coding-DNA position 3682, G replaced by A.
Protein change: p.Gly1228Ser; replaces glycine 1228 with serine.
Molecular consequence: missense variant.
Genome position (GRCh38, 1-based): chr2:227,297,790, G>A. VCF-style: chr2-227297790-G-A. GRCh37 (hg19) VCF-style: chr2-228162506-G-A.
Other names: short protein forms G1228S.
Identifiers: ClinVar variation 3586122 (VCV003586122.2).
Genomic context (GRCh38, chr2:227,297,790, plus strand): 5'-GCCATGGGAGATGCTGGACCTCGAGGACCCACAGGCATAGAAGGATTCCCAGGGCCACCA[G>A]GTCTGCCCGGTGCAATTATCCCTGGCCAGACAGGAAATCGTGGTCCACCAGGCTCAAGAG-3'
Protein context (NP_000082.2, residues 1218-1238): TGIEGFPGPP[Gly1228Ser]LPGAIIPGQT

ClinVar aggregate classification (germline): Likely pathogenic. Review status: criteria provided, multiple submitters, no conflicts (2 of 4 stars). 2 submissions from 2 submitters: Likely pathogenic (2). Last evaluated 2025-10-09.

Conditions:
Autosomal dominant Alport syndrome (ATS3A). Also called: Alport syndrome dominant type; Renal failure and sensorineural hearing loss; ALPORT SYNDROME 3A, AUTOSOMAL DOMINANT. Identifiers: Orphanet 63, Orphanet 88918, MedGen C5882663, MONDO:0007086, OMIM 104200.
Hematuria, benign familial, 2 (BFH2). Identifiers: MedGen C5830421, MONDO:0958186, OMIM 620320.
Alport syndrome 3b, autosomal recessive. Identifiers: MedGen C5882699, MONDO:0957811, OMIM 620536.

Submissions (2):

Genetics laboratory, Institute of Kidney Diseases & Research Centre Dr. H.L. Trivedi Institute Of Transplantation Sciences
Classification: Likely pathogenic for Autosomal dominant Alport syndrome. Last evaluated: 2025-10-09. Review status: criteria provided, single submitter. Criteria: ACMG Guidelines, 2015. Collection method: clinical testing. Allele origin: de novo. Inheritance: Autosomal dominant inheritance. Affected: yes. Observed: 1 variant allele, 1 heterozygote.
Comment: The COL4A3:c.3682G>A (p.Gly1228Ser) variant is classified as Likely Pathogenic. It results in substitution of a highly conserved glycine residue within the collagenous domain of the protein, which is essential for triple helix formation. Glycine substitutions in this region are a well-established disease mechanism and are strongly associated with Alport syndrome. The change is predicted to disrupt protein structure and function, supporting its likely pathogenic role.

Fulgent Genetics
Classification: Likely pathogenic for Autosomal dominant Alport syndrome; Hematuria, benign familial, 2; Alport syndrome 3b, autosomal recessive. Last evaluated: 2024-02-17. Review status: criteria provided, single submitter. Criteria: ACMG Guidelines, 2015. Collection method: clinical testing. Allele origin: germline.